The following is an entry in ClinVar:

ClinVar aggregate classification (germline): Uncertain significance (1 of 4 stars; one submission).

Conditions:
Encephalopathy, acute, infection-induced (herpes-specific), susceptibility to, 1. Also called: Herpes simplex encephalitis, susceptibility to, 1. Identifiers: Orphanet 1930, MedGen C2750180, MONDO:0024563, OMIM 610551.

Allele frequency attached by ClinVar (database versions not stated): gnomAD exomes below 0.00001.

Submission:

Labcorp Genetics (formerly Invitae), Labcorp
Classification: Uncertain significance for Encephalopathy, acute, infection-induced (herpes-specific), susceptibility to, 1. Last evaluated: 2021-01-28. Review status: criteria provided, single submitter. Criteria: Invitae Variant Classification Sherloc (09022015). Collection method: clinical testing. Allele origin: germline.
Comment: In summary, the available evidence is currently insufficient to determine the role of this variant in disease. Therefore, it has been classified as a Variant of Uncertain Significance. Algorithms developed to predict the effect of missense changes on protein structure and function (SIFT, PolyPhen-2, Align-GVGD) all suggest that this variant is likely to be tolerated, but these predictions have not been confirmed by published functional studies and their clinical significance is uncertain. This variant has not been reported in the literature in individuals with UNC93B1-related conditions. This variant is not present in population databases (ExAC no frequency). This sequence change replaces valine with isoleucine at codon 428 of the UNC93B1 protein (p.Val428Ile). The valine residue is weakly conserved and there is a small physicochemical difference between valine and isoleucine.

NM_030930.4(UNC93B1):c.1282G>A (p.Val428Ile)

Gene: UNC93B1 (unc-93B1 regulator of TLR signaling; minus strand). Cytogenetic location: 11q13.2.
Variant type: single nucleotide variant.
Coding change: c.1282G>A on transcript NM_030930.4 (MANE Select); coding-DNA position 1282, G replaced by A.
Protein change: p.Val428Ile; replaces valine 428 with isoleucine.
Molecular consequence: missense variant.
Genome position (GRCh38, 1-based): chr11:67,995,692, C>T on the plus strand (G>A on the coding strand, the complement: UNC93B1 is on the minus strand). VCF-style: chr11-67995692-C-T. GRCh37 (hg19) VCF-style: chr11-67763163-C-T.
Other names: short protein forms V428I.
Identifiers: ClinVar variation 966999 (VCV000966999.8), dbSNP rs1856931148, ClinGen allele CA381570091.
Genomic context (GRCh38, chr11:67,995,692, plus strand): 5'-GGGCACTGCCCACACCCCAAAGGGCAGCTGCCACATAGAGGATCCAGCTGTGTTGCAGGA[C>T]CCGAGGCACAGGGGCCCAGAAAAAGAGGATGAAGGTGAGCAGCAGGTGCACCCCTGCTCC-3'
Protein context (NP_112192.2, residues 418-438): ILFFWAPVPR[Val428Ile]LQHSWILYVA